The following is an entry in ClinVar:

NM_002755.4(MAP2K1):c.509G>A (p.Ser170Asn)

Gene: MAP2K1 (mitogen-activated protein kinase kinase 1; plus strand). Cytogenetic location: 15q22.31.
Variant type: single nucleotide variant.
Coding change: c.509G>A on transcript NM_002755.4 (MANE Select); coding-DNA position 509, G replaced by A.
Protein change: p.Ser170Asn; replaces serine 170 with asparagine.
Molecular consequence: missense variant. On other transcripts: intron variant (1).
Genome position (GRCh38, 1-based): chr15:66,443,350, G>A. VCF-style: chr15-66443350-G-A. GRCh37 (hg19) VCF-style: chr15-66735688-G-A.
Other names: c.373-1306G>A (NM_001411065.1); short protein forms S170N.
Identifiers: ClinVar variation 2807486 (VCV002807486.4), dbSNP rs1694332895, ClinGen allele CA392932006.

ClinVar aggregate classification (germline): Uncertain significance. Review status: criteria provided, multiple submitters, no conflicts (2 of 4 stars). 2 submissions from 2 submitters: Uncertain significance (2). Last evaluated 2026-03-19.

Conditions:
Cardiovascular phenotype. Identifiers: MedGen CN230736.
RASopathy. Also called: rasopathies; Noonan spectrum disorder. Identifiers: Orphanet 536391, MedGen C5555857, MONDO:0021060.

Allele frequency attached by ClinVar (database versions not stated): TOPMed below 0.00001; gnomAD exomes below 0.00001.
gnomAD v4.1: 1 of 1,602,726 alleles (0.000062%); highest among the groups gnomAD compares: Non-Finnish European, 0.000085%; no homozygotes.

Submissions (2):

Ambry Genetics
Classification: Uncertain significance for Cardiovascular phenotype. Last evaluated: 2026-03-19. Review status: criteria provided, single submitter. Criteria: Ambry Variant Classification Scheme 2023. Collection method: clinical testing. Allele origin: germline.

Labcorp Genetics (formerly Invitae), Labcorp
Classification: Uncertain significance for RASopathy. Last evaluated: 2023-01-17. Review status: criteria provided, single submitter. Criteria: Invitae Variant Classification Sherloc (09022015). Collection method: clinical testing. Allele origin: germline.
Comment: In summary, the available evidence is currently insufficient to determine the role of this variant in disease. Therefore, it has been classified as a Variant of Uncertain Significance. Advanced modeling of protein sequence and biophysical properties (such as structural, functional, and spatial information, amino acid conservation, physicochemical variation, residue mobility, and thermodynamic stability) performed at Invitae indicates that this missense variant is not expected to disrupt MAP2K1 protein function. This variant has not been reported in the literature in individuals affected with MAP2K1-related conditions. This variant is not present in population databases (gnomAD no frequency). This sequence change replaces serine, which is neutral and polar, with asparagine, which is neutral and polar, at codon 170 of the MAP2K1 protein (p.Ser170Asn).